The following is an entry in ClinVar:

NM_015001.3(SPEN):c.7199C>T (p.Ser2400Phe)

Gene: SPEN (spen family transcriptional repressor; plus strand). Cytogenetic location: 1p36.13.
Variant type: single nucleotide variant.
Coding change: c.7199C>T on transcript NM_015001.3 (MANE Select); coding-DNA position 7199, C replaced by T.
Protein change: p.Ser2400Phe; replaces serine 2400 with phenylalanine.
Molecular consequence: missense variant.
Genome position (GRCh38, 1-based): chr1:15,933,439, C>T. VCF-style: chr1-15933439-C-T. GRCh37 (hg19) VCF-style: chr1-16259934-C-T.
Other names: short protein forms S2400F.
Identifiers: ClinVar variation 4873874 (VCV004873874.2).

ClinVar aggregate classification (germline): Likely benign (1 of 4 stars; one submission).

gnomAD v4.1: 4 of 1,614,032 alleles (0.00025%); highest among the groups gnomAD compares: African/African-American, 0.004%; no homozygotes.

Submission:

CeGaT Center for Human Genetics Tuebingen
Classification: Likely benign. Last evaluated: 2026-04-01. Review status: criteria provided, single submitter. Criteria: CeGaT Center For Human Genetics Tuebingen Variant Classification Criteria Version 2. Collection method: clinical testing. Allele origin: germline. Affected: yes. Observed: 1 variant allele.
Comment: SPEN: PM2:Supporting, BP4, BP5